The following is an entry in ClinVar:

ClinVar aggregate classification (germline): Uncertain significance (1 of 4 stars; one submission).

Conditions:
Pitt-Hopkins syndrome (PTHS). Also called: ENCEPHALOPATHY, SEVERE EPILEPTIC, WITH AUTONOMIC DYSFUNCTION; MENTAL RETARDATION, SYNDROMAL, WITH INTERMITTENT HYPERVENTILATION. Identifiers: Orphanet 2896, MedGen C1970431, MONDO:0012589, OMIM 610954.

Submission:

Labcorp Genetics (formerly Invitae), Labcorp
Classification: Uncertain significance for Pitt-Hopkins syndrome. Last evaluated: 2024-04-03. Review status: criteria provided, single submitter. Criteria: Invitae Variant Classification Sherloc (09022015). Collection method: clinical testing. Allele origin: germline.
Comment: This sequence change replaces leucine, which is neutral and non-polar, with arginine, which is basic and polar, at codon 277 of the TCF4 protein (p.Leu277Arg). This variant is not present in population databases (gnomAD no frequency). This variant has not been reported in the literature in individuals affected with TCF4-related conditions. Advanced modeling of protein sequence and biophysical properties (such as structural, functional, and spatial information, amino acid conservation, physicochemical variation, residue mobility, and thermodynamic stability) has been performed at Invitae for this missense variant, however the output from this modeling did not meet the statistical confidence thresholds required to predict the impact of this variant on TCF4 protein function. In summary, the available evidence is currently insufficient to determine the role of this variant in disease. Therefore, it has been classified as a Variant of Uncertain Significance.

NM_001083962.2(TCF4):c.830T>G (p.Leu277Arg)

Genes: TCF4 (transcription factor 4; minus strand), LOC126862757 (CDK7 strongly-dependent group 2 enhancer GRCh37_chr18:52936433-52937632; plus strand). Cytogenetic location: 18q21.2.
Variant type: single nucleotide variant.
Coding change: c.830T>G on transcript NM_001083962.2 (MANE Select); coding-DNA position 830, T replaced by G.
Protein change: p.Leu277Arg; replaces leucine 277 with arginine.
Molecular consequence: missense variant.
Genome position (GRCh38, 1-based): chr18:55,269,923, A>C on the plus strand (T>G on the coding strand, the complement: TCF4 is on the minus strand). VCF-style: chr18-55269923-A-C. GRCh37 (hg19) VCF-style: chr18-52937154-A-C.
Other names: c.1136T>G, p.Leu379Arg (NM_001243226.3); c.758T>G, p.Leu253Arg (NM_001243227.2, NM_001306207.1, NM_001348219.2 and 9 more transcripts); c.848T>G, p.Leu283Arg (NM_001243228.2); c.824T>G, p.Leu275Arg (NM_001243230.2); c.704T>G, p.Leu235Arg (NM_001243231.2, NM_001348211.2); c.617T>G, p.Leu206Arg (NM_001243232.1, NM_001306208.1); c.440T>G, p.Leu147Arg (NM_001243233.2, NM_001330605.3, NM_001348212.2 and 1 more transcripts); c.350T>G, p.Leu117Arg (NM_001243234.2, NM_001243235.2, NM_001243236.2 and 2 more transcripts); and 4 more; short protein forms L235R, L117R, L147R, L252R, L253R, L379R, L276R, L283R.
Identifiers: ClinVar variation 3646771 (VCV003646771.2).
Genomic context (GRCh38, chr18:55,269,923, plus strand): 5'-GTACAGGAAGAGGTGCTGTAATGGTTTGTACCACTACGATGGAAAGTGGACATCGGAGGA[A>C]GACTGGAATTGATGTCTGCTGAGGAGTGTGATGGATAGCTCTATAGCAAGAAGCAGAAAA-3'
Protein context (NP_001077431.1, residues 267-287): SHSSADINSS[Leu277Arg]PPMSTFHRSG